The following is an entry in ClinVar:

NM_016188.5(ACTL6B):c.216G>T (p.Leu72=)

Gene: ACTL6B (actin like 6B; minus strand). Cytogenetic location: 7q22.1.
Variant type: single nucleotide variant.
Coding change: c.216G>T on transcript NM_016188.5 (MANE Select); coding-DNA position 216, G replaced by T.
Protein change: p.Leu72=; no amino-acid change (leucine 72 retained).
Molecular consequence: synonymous variant. On other transcripts: non-coding transcript variant (1).
Genome position (GRCh38, 1-based): chr7:100,655,473, C>A on the plus strand (G>T on the coding strand, the complement: ACTL6B is on the minus strand). VCF-style: chr7-100655473-C-A. GRCh37 (hg19) VCF-style: chr7-100253096-C-A.
Identifiers: ClinVar variation 3388139 (VCV003388139.14).

ClinVar aggregate classification (germline): Likely benign (1 of 4 stars; one submission).

Submission:

CeGaT Center for Human Genetics Tuebingen
Classification: Likely benign. Last evaluated: 2024-11-01. Review status: criteria provided, single submitter. Criteria: CeGaT Center For Human Genetics Tuebingen Variant Classification Criteria Version 2. Collection method: clinical testing. Allele origin: germline. Affected: yes. Observed: 1 variant allele.
Comment: ACTL6B: PM2:Supporting, BP4, BP7